The following is an entry in ClinVar:

NM_001429.4(EP300):c.5061+10G>A

Gene: EP300 (EP300 lysine acetyltransferase; plus strand). Cytogenetic location: 22q13.2.
Variant type: single nucleotide variant.
Coding change: c.5061+10G>A on transcript NM_001429.4 (MANE Select); 10 bases into the intron after coding-DNA position 5061, G replaced by A.
Molecular consequence: intron variant.
Genome position (GRCh38, 1-based): chr22:41,176,538, G>A. VCF-style: chr22-41176538-G-A. GRCh37 (hg19) VCF-style: chr22-41572542-G-A.
Other names: c.4983+10G>A (NM_001362843.2).
Identifiers: ClinVar variation 158565 (VCV000158565.47), dbSNP rs78432056, ClinGen allele CA202475.

ClinVar aggregate classification (germline): Conflicting classifications of pathogenicity. Review status: criteria provided, conflicting classifications (1 of 4 stars). 7 submissions from 7 submitters: Uncertain significance (1); Benign (2); Likely benign (4). Last evaluated 2026-09-01.

Conditions:
EP300-related disorder. Also called: EP300-related condition; EP300-related disorders.
Rubinstein-Taybi syndrome due to EP300 haploinsufficiency. Also called: EP300-Related Rubinstein-Taybi Syndrome; RUBINSTEIN-TAYBI SYNDROME 2. Identifiers: Orphanet 353284, Orphanet 783, MedGen C3150941, MONDO:0013364, OMIM 613684.

Allele frequency attached by ClinVar (database versions not stated): 1000 Genomes Project 30x 0.00078; 1000 Genomes Project 0.00080; gnomAD exomes 0.00102 and 0.00173; TOPMed 0.00103; ExAC 0.00105; gnomAD 0.00131 and 0.00135; ESP Exome Variant Server 0.00154.
gnomAD v4.1: 2,676 of 1,613,584 alleles (0.17%); highest among the groups gnomAD compares: Non-Finnish European, 0.21%; 2 homozygotes.

Submissions (7):

CeGaT Center for Human Genetics Tuebingen
Classification: Likely benign. Last evaluated: 2026-09-01. Review status: criteria provided, single submitter. Criteria: CeGaT Center For Human Genetics Tuebingen Variant Classification Criteria Version 2. Collection method: clinical testing. Allele origin: germline. Affected: yes. Observed: 13 variant alleles.
Comment: EP300: BS1

PreventionGenetics, part of Exact Sciences
Classification: Likely benign for EP300-related condition. Last evaluated: 2026-07-06. Review status: criteria provided, single submitter. Criteria: ACMG Guidelines, 2015. Collection method: clinical testing. Allele origin: germline.
Comment: This variant is classified as likely benign based on ACMG/AMP sequence variant interpretation guidelines (Richards et al. 2015 PMID: 25741868, with internal and published modifications).

Labcorp Genetics (formerly Invitae), Labcorp
Classification: Benign for Rubinstein-Taybi syndrome due to EP300 haploinsufficiency. Last evaluated: 2025-12-02. Review status: criteria provided, single submitter. Criteria: Invitae Variant Classification Sherloc (09022015). Collection method: clinical testing. Allele origin: germline.

Blueprint Genetics
Classification: Likely benign. Last evaluated: 2024-11-11. Review status: criteria provided, single submitter. Criteria: ACMG Guidelines, 2015. Collection method: clinical testing. Allele origin: germline.

GeneDx
Classification: Benign. Last evaluated: 2020-07-09. Review status: criteria provided, single submitter. Criteria: GeneDx Variant Classification Process June 2021. Collection method: clinical testing. Allele origin: germline. Affected: yes.

Eurofins Ntd Llc (ga)
Classification: Likely benign. Last evaluated: 2015-05-18. Review status: criteria provided, single submitter. Criteria: EGL Classification Definitions 2015. Collection method: clinical testing. Allele origin: germline. Observed: 1 variant allele, 1 heterozygote.

Genetic Services Laboratory, University of Chicago
Classification: Uncertain significance for Rubinstein-Taybi syndrome 2. Last evaluated: 2013-03-04. Review status: criteria provided, single submitter. Criteria: ACMG Guidelines, 2007. Collection method: clinical testing. Allele origin: germline. Inheritance: Autosomal dominant inheritance.